The following is an entry in ClinVar:

NM_000245.4(MET):c.3573C>T (p.Gly1191=)

Gene: MET (MET proto-oncogene, receptor tyrosine kinase; plus strand). Cytogenetic location: 7q31.2.
Variant type: single nucleotide variant.
Coding change: c.3573C>T on transcript NM_000245.4 (MANE Select); coding-DNA position 3573, C replaced by T.
Protein change: p.Gly1191=; no amino-acid change (glycine 1191 retained).
Molecular consequence: synonymous variant.
Genome position (GRCh38, 1-based): chr7:116,782,038, C>T. VCF-style: chr7-116782038-C-T. GRCh37 (hg19) VCF-style: chr7-116422092-C-T.
Other names: c.3627C>T, p.Gly1209= (NM_001127500.3); c.2283C>T, p.Gly761= (NM_001324402.2).
Identifiers: ClinVar variation 2120998 (VCV002120998.4), dbSNP rs2117060015, ClinGen allele CA457219291.
Genomic context (GRCh38, chr7:116,782,038, plus strand): 5'-TTGACTGCAGAATCCAACTGTAAAAGATCTTATTGGCTTTGGTCTTCAAGTAGCCAAAGG[C>T]ATGAAATATCTTGCAAGCAAAAAGTTTGTCCACAGAGACTTGGCTGCAAGAAACTGTATG-3'
Protein context (NP_000236.2, residues 1181-1201): LIGFGLQVAK[Gly1191=]MKYLASKKFV

ClinVar aggregate classification (germline): Uncertain significance (1 of 4 stars; one submission).

Conditions:
Renal cell carcinoma. Identifiers: Orphanet 217071, MedGen C0007134, MeSH D002292, MONDO:0005086, HP:0005584.

Submission:

Labcorp Genetics (formerly Invitae), Labcorp
Classification: Uncertain significance for Renal cell carcinoma. Last evaluated: 2022-04-03. Review status: criteria provided, single submitter. Criteria: Invitae Variant Classification Sherloc (09022015). Collection method: clinical testing. Allele origin: germline.
Comment: This sequence change affects codon 1209 of the MET mRNA. It is a 'silent' change, meaning that it does not change the encoded amino acid sequence of the MET protein. This variant is not present in population databases (gnomAD no frequency). This variant has not been reported in the literature in individuals affected with MET-related conditions. Algorithms developed to predict the effect of sequence changes on RNA splicing suggest that this variant may disrupt the consensus splice site. In summary, the available evidence is currently insufficient to determine the role of this variant in disease. Therefore, it has been classified as a Variant of Uncertain Significance.